The following is an entry in ClinVar:

NM_005751.5(AKAP9):c.9268T>A (p.Leu3090Met)

Gene: AKAP9 (A-kinase anchoring protein 9; plus strand). Cytogenetic location: 7q21.2.
Variant type: single nucleotide variant.
Coding change: c.9268T>A on transcript NM_005751.5 (MANE Select); coding-DNA position 9268, T replaced by A.
Protein change: p.Leu3090Met; replaces leucine 3090 with methionine.
Molecular consequence: missense variant.
Genome position (GRCh38, 1-based): chr7:92,089,439, T>A. VCF-style: chr7-92089439-T-A. GRCh37 (hg19) VCF-style: chr7-91718753-T-A.
Other names: c.3913T>A, p.Leu1305Met (NM_001379277.1); c.9244T>A, p.Leu3082Met (NM_147185.3); short protein forms L3082M, L3090M, L1305M.
Identifiers: ClinVar variation 643160 (VCV000643160.10), dbSNP rs1488026046, ClinGen allele CA368144591.

ClinVar aggregate classification (germline): Uncertain significance (1 of 4 stars; one submission).

Conditions:
Long QT syndrome (LQTS). Identifiers: MedGen C0023976, MeSH D008133, MONDO:0002442. Disease mechanism: loss of function. Inheritance: Various modes of inheritance.

Submission:

Labcorp Genetics (formerly Invitae), Labcorp
Classification: Uncertain significance for Long QT syndrome. Last evaluated: 2019-05-03. Review status: criteria provided, single submitter. Criteria: Invitae Variant Classification Sherloc (09022015). Collection method: clinical testing. Allele origin: germline.
Comment: In summary, the available evidence is currently insufficient to determine the role of this variant in disease. Therefore, it has been classified as a Variant of Uncertain Significance. Algorithms developed to predict the effect of missense changes on protein structure and function are either unavailable or do not agree on the potential impact of this missense change (SIFT: "Deleterious"; PolyPhen-2: "Probably Damaging"; Align-GVGD: "Class C0"). This variant has not been reported in the literature in individuals with AKAP9-related disease. This variant is not present in population databases (ExAC no frequency). This sequence change replaces leucine with methionine at codon 3090 of the AKAP9 protein (p.Leu3090Met). The leucine residue is highly conserved and there is a small physicochemical difference between leucine and methionine.